The following is an entry in ClinVar:

NM_000417.3(IL2RA):c.526A>T (p.Arg176Trp)

Gene: IL2RA (interleukin 2 receptor subunit alpha; minus strand). Cytogenetic location: 10p15.1.
Variant type: single nucleotide variant.
Coding change: c.526A>T on transcript NM_000417.3 (MANE Select); coding-DNA position 526, A replaced by T.
Protein change: p.Arg176Trp; replaces arginine 176 with tryptophan.
Molecular consequence: missense variant. On other transcripts: intron variant (2).
Genome position (GRCh38, 1-based): chr10:6,021,535, T>A on the plus strand (A>T on the coding strand, the complement: IL2RA is on the minus strand). VCF-style: chr10-6021535-T-A. GRCh37 (hg19) VCF-style: chr10-6063498-T-A.
Other names: c.368-2036A>T (NM_001308243.2); c.368-1594A>T (NM_001308242.2); short protein forms R176W.
Identifiers: ClinVar variation 1491223 (VCV001491223.3), dbSNP rs1285853688, ClinGen allele CA375926424.

ClinVar aggregate classification (germline): Uncertain significance (1 of 4 stars; one submission).

Conditions:
Immunodeficiency due to CD25 deficiency. Also called: CD25 DEFICIENCY; IMMUNODEFICIENCY 41 WITH LYMPHOPROLIFERATION AND AUTOIMMUNITY; IL2RA DEFICIENCY. Identifiers: Orphanet 169100, MedGen C1853392, MONDO:0011664, OMIM 606367.

Allele frequency attached by ClinVar (database versions not stated): gnomAD 0.00001 and 0.00002; gnomAD exomes 0.00001; TOPMed 0.00001.
gnomAD v4.1: 6 of 1,614,034 alleles (0.00037%); highest among the groups gnomAD compares: Admixed American, 0.01%; no homozygotes.

Submission:

Labcorp Genetics (formerly Invitae), Labcorp
Classification: Uncertain significance for Immunodeficiency due to CD25 deficiency. Last evaluated: 2021-11-05. Review status: criteria provided, single submitter. Criteria: Invitae Variant Classification Sherloc (09022015). Collection method: clinical testing. Allele origin: germline.
Comment: This sequence change replaces arginine, which is basic and polar, with tryptophan, which is neutral and slightly polar, at codon 176 of the IL2RA protein (p.Arg176Trp). This variant is present in population databases (no rsID available, gnomAD 0.006%). This variant has not been reported in the literature in individuals affected with IL2RA-related conditions. Algorithms developed to predict the effect of missense changes on protein structure and function are either unavailable or do not agree on the potential impact of this missense change (SIFT: "Deleterious"; PolyPhen-2: "Probably Damaging"; Align-GVGD: "Class C0"). In summary, the available evidence is currently insufficient to determine the role of this variant in disease. Therefore, it has been classified as a Variant of Uncertain Significance.